The following is an entry in ClinVar:

NM_001034853.2(RPGR):c.2904_2906dup (p.Glu969_Gly970insGlu)

Gene: RPGR (retinitis pigmentosa GTPase regulator; minus strand). Cytogenetic location: Xp11.4.
Variant type: Duplication.
Coding change: c.2904_2906dup on transcript NM_001034853.2 (MANE Select); coding-DNA positions 2904 to 2906, 3 bases duplicated (GGA; older notation c.2904_2906dupGGA).
Protein change: p.Glu969_Gly970insGlu.
Molecular consequence: inframe insertion. On other transcripts: intron variant (8).
Genome position (GRCh38, 1-based): chrX:38,286,093-38,286,095, TCC duplicated on the plus strand (GGA on the coding strand, the reverse complement: RPGR is on the minus strand); duplicating any 3 consecutive bases within chrX:38,286,093-38,286,097 gives the same sequence; the c. name uses the placement nearest the transcript's 3' end. VCF-style (leftmost placement, unchanged base first): chrX-38286092-T-TTCC. GRCh37 (hg19) VCF-style: chrX-38145345-T-TTCC.
Other names: c.1569+4864_1569+4866dup (NM_001367249.1, NM_001367250.1); c.1902+999_1902+1001dup (NM_001367245.1); c.1386+4864_1386+4866dup (NM_001367251.1); c.1719+999_1719+1001dup (NM_001367246.1); c.1572+4864_1572+4866dup (NM_001367247.1); c.1905+999_1905+1001dup (NM_000328.3); c.1602+4864_1602+4866dup (NM_001367248.1).
Identifiers: ClinVar variation 1983577 (VCV001983577.4), dbSNP rs1555961470, ClinGen allele CA412729485.

ClinVar aggregate classification (germline): Uncertain significance (1 of 4 stars; one submission).

Conditions:
Primary ciliary dyskinesia. Also called: Ciliary dyskinesia. Identifiers: Orphanet 244, MedGen C0008780, MONDO:0016575, HP:0012265.

Submission:

Labcorp Genetics (formerly Invitae), Labcorp
Classification: Uncertain significance for Primary ciliary dyskinesia. Last evaluated: 2022-02-20. Review status: criteria provided, single submitter. Criteria: Invitae Variant Classification Sherloc (09022015). Collection method: clinical testing. Allele origin: germline.
Comment: In summary, the available evidence is currently insufficient to determine the role of this variant in disease. Therefore, it has been classified as a Variant of Uncertain Significance. This variant has not been reported in the literature in individuals affected with RPGR (ORF15)-related conditions. This variant is not present in population databases (gnomAD no frequency). This variant, c.2904_2906dup, results in the insertion of 1 amino acid(s) of the RPGR (ORF15) protein (p.Glu969dup), but otherwise preserves the integrity of the reading frame.